The following is an entry in ClinVar:

NM_001127222.2(CACNA1A):c.5060C>T (p.Ser1687Phe)

Gene: CACNA1A (calcium voltage-gated channel subunit alpha1 A; minus strand). Cytogenetic location: 19p13.13.
Variant type: single nucleotide variant.
Coding change: c.5060C>T on transcript NM_001127222.2 (MANE Select); coding-DNA position 5060, C replaced by T.
Protein change: p.Ser1687Phe; replaces serine 1687 with phenylalanine.
Molecular consequence: missense variant.
Genome position (GRCh38, 1-based): chr19:13,235,621, G>A on the plus strand (C>T on the coding strand, the complement: CACNA1A is on the minus strand). VCF-style: chr19-13235621-G-A. GRCh37 (hg19) VCF-style: chr19-13346435-G-A.
Other names: c.5078C>T, p.Ser1693Phe (NM_000068.4, NM_023035.3); c.5063C>T, p.Ser1688Phe (NM_001127221.2); c.5069C>T, p.Ser1690Phe (NM_001174080.2); short protein forms S1688F, S1690F, S1687F, S1693F.
Identifiers: ClinVar variation 582131 (VCV000582131.12), dbSNP rs1568447557, ClinGen allele CA404336552.
Genomic context (GRCh38, chr19:13,235,621, plus strand): 5'-TGAGGGTCACCTGTCTTCTCAGCCCTGGGCCAGCAGCAGGGACGAGGACTCACCTTGAAG[G>A]ACTGCACAAAGGTCCAGAGAAGAATGCGGATGGTGTAACCCTGACGGAGAAGTTTGATGA-3'
Protein context (NP_001120694.1, residues 1677-1697): IRILLWTFVQ[Ser1687Phe]FKALPYVCLL

ClinVar aggregate classification (germline): Likely pathogenic (1 of 4 stars; one submission).

Conditions:
Episodic ataxia type 2 (EA2). Also called: ACETAZOLAMIDE-RESPONSIVE HEREDITARY PAROXYSMAL CEREBELLAR ATAXIA; CEREBELLAR ATAXIA, PAROXYSMAL, ACETAZOLAMIDE-RESPONSIVE; CEREBELLOPATHY, HEREDITARY PAROXYSMAL; EPISODIC ATAXIA, NYSTAGMUS-ASSOCIATED; ATAXIA, EPISODIC, WITH NYSTAGMUS; ATAXIA, FAMILIAL PAROXYSMAL. Identifiers: Orphanet 97, MedGen C1720416, MONDO:0007163, OMIM 108500.
Developmental and epileptic encephalopathy, 42 (DEE42A). Also called: DEVELOPMENTAL AND EPILEPTIC ENCEPHALOPATHY 42A; EPILEPTIC ENCEPHALOPATHY, EARLY INFANTILE, 42A; Epileptic encephalopathy, early infantile, 42. Identifiers: MedGen C4310716, MONDO:0014917, OMIM 617106.

Submission:

Labcorp Genetics (formerly Invitae), Labcorp
Classification: Likely pathogenic for Developmental and epileptic encephalopathy, 42; Episodic ataxia type 2. Last evaluated: 2023-08-24. Review status: criteria provided, single submitter. Criteria: Invitae Variant Classification Sherloc (09022015). Collection method: clinical testing. Allele origin: germline.
Comment: Advanced modeling of protein sequence and biophysical properties (such as structural, functional, and spatial information, amino acid conservation, physicochemical variation, residue mobility, and thermodynamic stability) performed at Invitae indicates that this missense variant is expected to disrupt CACNA1A protein function. ClinVar contains an entry for this variant (Variation ID: 582131). This missense change has been observed in individual(s) with Developmental and epileptic encephalopathy (Invitae). It has also been observed to segregate with disease in related individuals. This variant is not present in population databases (gnomAD no frequency). This sequence change replaces serine, which is neutral and polar, with phenylalanine, which is neutral and non-polar, at codon 1688 of the CACNA1A protein (p.Ser1688Phe). In summary, the currently available evidence indicates that the variant is pathogenic, but additional data are needed to prove that conclusively. Therefore, this variant has been classified as Likely Pathogenic.